The following is an entry in ClinVar:

ClinVar aggregate classification (germline): Benign/Likely benign. Review status: criteria provided, multiple submitters, no conflicts (2 of 4 stars). 5 submissions from 5 submitters: Benign (4); Likely benign (1). Last evaluated 2026-09-01.

Conditions:
EXOSC2-related disorder. Also called: EXOSC2-related condition.

Allele frequency attached by ClinVar (database versions not stated): 1000 Genomes Project 0.00439; 1000 Genomes Project 30x 0.00453; ESP Exome Variant Server 0.00623; ExAC 0.00661; gnomAD exomes 0.00707 and 0.00909; TOPMed 0.00779.

Submissions (5):

CeGaT Center for Human Genetics Tuebingen
Classification: Benign. Last evaluated: 2026-09-01. Review status: criteria provided, single submitter. Criteria: CeGaT Center For Human Genetics Tuebingen Variant Classification Criteria Version 2. Collection method: clinical testing. Allele origin: germline. Affected: yes. Observed: 25 variant alleles.
Comment: EXOSC2: BP4, BS1, BS2

Labcorp Genetics (formerly Invitae), Labcorp
Classification: Benign. Last evaluated: 2026-02-02. Review status: criteria provided, single submitter. Criteria: Invitae Variant Classification Sherloc (09022015). Collection method: clinical testing. Allele origin: germline.

Genomic Medicine Center of Excellence, King Faisal Specialist Hospital and Research Centre
Classification: Likely benign. Last evaluated: 2025-08-18. Review status: criteria provided, single submitter. Criteria: ACMG Guidelines, 2015. Collection method: clinical testing. Allele origin: germline.

PreventionGenetics, part of Exact Sciences
Classification: Benign for EXOSC2-related condition. Last evaluated: 2025-05-22. Review status: criteria provided, single submitter. Criteria: ACMG Guidelines, 2015. Collection method: clinical testing. Allele origin: germline.
Comment: This variant is classified as benign based on ACMG/AMP sequence variant interpretation guidelines (Richards et al. 2015 PMID: 25741868, with internal and published modifications).

Breakthrough Genomics
Classification: Benign. Review status: criteria provided, single submitter. Criteria: ACMG Guidelines, 2015. Collection method: not provided. Allele origin: germline. Inheritance: Autosomal recessive inheritance. Affected: yes.

NM_014285.7(EXOSC2):c.22C>G (p.Pro8Ala)

Gene: EXOSC2 (exosome component 2; plus strand). Cytogenetic location: 9q34.12.
Variant type: single nucleotide variant.
Coding change: c.22C>G on transcript NM_014285.7 (MANE Select); coding-DNA position 22, C replaced by G.
Protein change: p.Pro8Ala; replaces proline 8 with alanine.
Molecular consequence: missense variant. On other transcripts: non-coding transcript variant (1).
Genome position (GRCh38, 1-based): chr9:130,693,813, C>G. VCF-style: chr9-130693813-C-G. GRCh37 (hg19) VCF-style: chr9-133569200-C-G.
Other names: c.22C>G, p.Pro8Ala (NM_001282708.1, NM_001282709.1); short protein forms P8A.
Identifiers: ClinVar variation 778382 (VCV000778382.37), dbSNP rs148203698, ClinGen allele CA5284710.